The following is an entry in ClinVar:

ClinVar aggregate classification (germline): Uncertain significance. Review status: criteria provided, multiple submitters, no conflicts (2 of 4 stars). 3 submissions from 3 submitters: Uncertain significance (3). Last evaluated 2024-02-22.

Conditions:
Tuberous sclerosis syndrome (TSC). Also called: Tuberous sclerosis; Tuberous Sclerosis Complex. Identifiers: Orphanet 805, MedGen C0041341, MONDO:0001734.
Tuberous sclerosis 2 (TSC2). Identifiers: Orphanet 805, MedGen C1860707, MONDO:0013199, OMIM 613254.
Hereditary cancer-predisposing syndrome. Also called: Neoplastic Syndromes, Hereditary; Tumor predisposition; Hereditary neoplastic syndrome; Hereditary Cancer Syndrome. Identifiers: Orphanet 140162, MedGen C0027672, MeSH D009386, MONDO:0015356.

Allele frequency attached by ClinVar (database versions not stated): gnomAD exomes below 0.00001; TOPMed below 0.00001; gnomAD 0.00001.
gnomAD v4.1: 2 of 1,592,316 alleles (0.00013%); highest among the groups gnomAD compares: East Asian, 0.0023%; no homozygotes.

Submissions (3):

All of Us Research Program, National Institutes of Health
Classification: Uncertain significance for Tuberous sclerosis syndrome. Last evaluated: 2024-02-22. Review status: criteria provided, single submitter. Criteria: ACMG Guidelines, 2015. Collection method: clinical testing. Allele origin: germline. Inheritance: Autosomal dominant inheritance. Observed: 1 variant allele, 1 heterozygote.
Comment: This missense variant replaces leucine with phenylalanine at codon 89 of the TSC2 protein. Computational prediction suggests that this variant may not impact protein structure and function (internally defined REVEL score threshold <= 0.5, PMID: 27666373). To our knowledge, functional studies have not been reported for this variant. This variant has not been reported in individuals affected with TSC2-related disorders in the literature. This variant has not been identified in the general population by the Genome Aggregation Database (gnomAD). The available evidence is insufficient to determine the role of this variant in disease conclusively. Therefore, this variant is classified as a Variant of Uncertain Significance.

This study involves interpretation of variants in research participants for the purpose of population health screening. Participant phenotype was not available at the time of variant classification. Additional details can be found in publication PMID: 35346344, PMCID: PMC8962531

Labcorp Genetics (formerly Invitae), Labcorp
Classification: Uncertain significance for Tuberous sclerosis 2. Last evaluated: 2024-01-05. Review status: criteria provided, single submitter. Criteria: Invitae Variant Classification Sherloc (09022015). Collection method: clinical testing. Allele origin: germline.
Comment: This sequence change replaces leucine, which is neutral and non-polar, with phenylalanine, which is neutral and non-polar, at codon 89 of the TSC2 protein (p.Leu89Phe). This variant is not present in population databases (gnomAD no frequency). This variant has not been reported in the literature in individuals affected with TSC2-related conditions. ClinVar contains an entry for this variant (Variation ID: 1794674). Advanced modeling of protein sequence and biophysical properties (such as structural, functional, and spatial information, amino acid conservation, physicochemical variation, residue mobility, and thermodynamic stability) performed at Invitae indicates that this missense variant is not expected to disrupt TSC2 protein function with a negative predictive value of 95%. In summary, the available evidence is currently insufficient to determine the role of this variant in disease. Therefore, it has been classified as a Variant of Uncertain Significance.

Ambry Genetics
Classification: Uncertain significance for Hereditary cancer-predisposing syndrome. Last evaluated: 2022-03-08. Review status: criteria provided, single submitter. Criteria: Ambry Variant Classification Scheme 2023. Collection method: clinical testing. Allele origin: germline.
Comment: The p.L89F variant (also known as c.267G>T), located in coding exon 3 of the TSC2 gene, results from a G to T substitution at nucleotide position 267. The leucine at codon 89 is replaced by phenylalanine, an amino acid with highly similar properties. This amino acid position is conserved. In addition, the in silico prediction for this alteration is inconclusive. Since supporting evidence is limited at this time, the clinical significance of this alteration remains unclear.

NM_000548.5(TSC2):c.267G>T (p.Leu89Phe)

Gene: TSC2 (TSC complex subunit 2; plus strand). Cytogenetic location: 16p13.3.
Variant type: single nucleotide variant.
Coding change: c.267G>T on transcript NM_000548.5 (MANE Select); coding-DNA position 267, G replaced by T.
Protein change: p.Leu89Phe; replaces leucine 89 with phenylalanine.
Molecular consequence: missense variant. On other transcripts: intron variant (2).
Genome position (GRCh38, 1-based): chr16:2,053,383, G>T. VCF-style: chr16-2053383-G-T. GRCh37 (hg19) VCF-style: chr16-2103384-G-T.
Other names: c.267G>T, p.Leu89Phe (NM_001077183.3, NM_001114382.3, NM_001363528.2 and 10 more transcripts); c.120G>T, p.Leu40Phe (NM_001318829.2, NM_001406675.1, NM_001406676.1 and 2 more transcripts); c.300G>T, p.Leu100Phe (NM_001318832.2); c.-550G>T (NM_001406680.1, NM_001406683.1, NM_001406687.1); c.-179G>T (NM_001406681.1); c.-1165G>T (NM_001406689.1, NM_001406690.1, NM_001406691.1 and 2 more transcripts); c.-1471G>T (NM_001406693.1); c.-1046G>T (NM_001406694.1, NM_001406695.1); and 4 more; short protein forms L100F, L40F, L89F.
Identifiers: ClinVar variation 1794674 (VCV001794674.5), dbSNP rs1286845026, ClinGen allele CA394305625.